The following is an entry in ClinVar:

ClinVar aggregate classification (germline): Uncertain significance (1 of 4 stars; one submission).

Submission:

GeneDx
Classification: Uncertain significance. Last evaluated: 2022-07-26. Review status: criteria provided, single submitter. Criteria: GeneDx Variant Classification Process June 2021. Collection method: clinical testing. Allele origin: germline. Affected: yes.
Comment: In-frame deletion of two amino acids in a non-repeat region; Not observed at significant frequency in large population cohorts (gnomAD); Has not been previously published as pathogenic or benign to our knowledge; Variants in candidate genes are classified as variants of uncertain significance in accordance with ACMG guidelines (Richards et al., 2015)

NM_001024383.2(NAV3):c.3736_3741del (p.Pro1246_Thr1247del)

Gene: NAV3 (neuron navigator 3; plus strand). Cytogenetic location: 12q21.2.
Variant type: Deletion.
Coding change: c.3736_3741del on transcript NM_001024383.2 (MANE Select); coding-DNA positions 3736 to 3741, 6 bases deleted (CCCACA; older notation c.3736_3741delCCCACA).
Protein change: p.Pro1246_Thr1247del.
Genome position (GRCh38, 1-based): chr12:78,119,932-78,119,937, CCCACA deleted; deleting any 6 consecutive bases within chr12:78,119,930-78,119,937 gives the same sequence; the c. name uses the placement nearest the transcript's 3' end. VCF-style (leftmost placement, unchanged base first): chr12-78119929-TCACCCA-T. GRCh37 (hg19) VCF-style: chr12-78513709-TCACCCA-T.
Other names: c.3736_3741del, p.Pro1246_Thr1247del (NM_014903.6).
Identifiers: ClinVar variation 3767621 (VCV003767621.1).